The following is an entry in ClinVar:

ClinVar aggregate classification (germline): Uncertain significance. Review status: criteria provided, multiple submitters, no conflicts (2 of 4 stars). 2 submissions from 2 submitters: Uncertain significance (2). Last evaluated 2025-08-04.

Allele frequency attached by ClinVar (database versions not stated): gnomAD 0.00001; TOPMed 0.00002; ExAC 0.00004; ESP Exome Variant Server 0.00015.
gnomAD v4.1: 57 of 1,613,078 alleles (0.0035%); highest among the groups gnomAD compares: South Asian, 0.0044%; no homozygotes.

Submissions (2):

Labcorp Genetics (formerly Invitae), Labcorp
Classification: Uncertain significance. Last evaluated: 2025-08-04. Review status: criteria provided, single submitter. Criteria: Invitae Variant Classification Sherloc (09022015). Collection method: clinical testing. Allele origin: germline.
Comment: This sequence change replaces serine, which is neutral and polar, with leucine, which is neutral and non-polar, at codon 838 of the SAMD9 protein (p.Ser838Leu). This variant is present in population databases (rs374488670, gnomAD 0.007%). This variant has not been reported in the literature in individuals affected with SAMD9-related conditions. ClinVar contains an entry for this variant (Variation ID: 1963861). Invitae Evidence Modeling of protein sequence and biophysical properties (such as structural, functional, and spatial information, amino acid conservation, physicochemical variation, residue mobility, and thermodynamic stability) has been performed for this missense variant. However, the output from this modeling did not meet the statistical confidence thresholds required to predict the impact of this variant on SAMD9 protein function. Experimental studies have shown that this missense change does not substantially affect SAMD9 function (PMID: 27182967). In summary, the available evidence is currently insufficient to determine the role of this variant in disease. Therefore, it has been classified as a Variant of Uncertain Significance.

Genetic Services Laboratory, University of Chicago
Classification: Uncertain significance. Last evaluated: 2023-03-21. Review status: criteria provided, single submitter. Criteria: ACMG Guidelines, 2015. Collection method: clinical testing. Allele origin: germline. Affected: no.
Comment: DNA sequence analysis of the SAMD9 gene demonstrated a sequence change, c.2513C>T, in exon 3 that results in an amino acid change, p.Ser838Leu. Functional studies have shown that this sequence change does not greatly impact SAMD9 function (PMID: 27182967). This sequence change has been described in the gnomAD database with a global frequency of 0.002% (dbSNP rs374488670). The p.Ser838Leu change affects a highly conserved amino acid residue located in a domain of the SAMD9 protein that is known to be functional. In-silico pathogenicity prediction tools (SIFT, PolyPhen2, Align GVGD, REVEL) provide contradictory results for the p.Ser838Leu substitution. Due to insufficient evidences and the lack of functional studies, the clinical significance of the p.Ser838Leu change remains unknown at this time.

Literature cited by the submitters: PubMed 27182967 (cited by Labcorp Genetics (formerly Invitae), Labcorp).

NM_017654.4(SAMD9):c.2513C>T (p.Ser838Leu)

Gene: SAMD9 (sterile alpha motif domain containing 9; minus strand). Cytogenetic location: 7q21.2.
Variant type: single nucleotide variant.
Coding change: c.2513C>T on transcript NM_017654.4 (MANE Select); coding-DNA position 2513, C replaced by T.
Protein change: p.Ser838Leu; replaces serine 838 with leucine.
Molecular consequence: missense variant.
Genome position (GRCh38, 1-based): chr7:93,103,585, G>A on the plus strand (C>T on the coding strand, the complement: SAMD9 is on the minus strand). VCF-style: chr7-93103585-G-A. GRCh37 (hg19) VCF-style: chr7-92732898-G-A.
Other names: c.2513C>T (NM_017654.3); c.2513C>T, p.Ser838Leu (NM_001193307.2); short protein forms S838L.
Identifiers: ClinVar variation 1963861 (VCV001963861.5), dbSNP rs374488670, ClinGen allele CA4342827.